The following is an entry in ClinVar:

ClinVar aggregate classification (germline): Uncertain significance. Review status: criteria provided, multiple submitters, no conflicts (2 of 4 stars). 2 submissions from 2 submitters: Uncertain significance (2). Last evaluated 2023-02-06.

Conditions:
Focal segmental glomerulosclerosis 6 (FSGS6). Identifiers: Orphanet 656, MedGen C3279905, MONDO:0013589, OMIM 614131.

Allele frequency attached by ClinVar (database versions not stated): ExAC 0.00001; gnomAD 0.00002; gnomAD exomes 0.00002; TOPMed 0.00002; ESP Exome Variant Server 0.00008.
gnomAD v4.1: 13 of 1,613,914 alleles (0.00081%); highest among the groups gnomAD compares: Middle Eastern, 0.016%; no homozygotes.

Submissions (2):

Labcorp Genetics (formerly Invitae), Labcorp
Classification: Uncertain significance. Last evaluated: 2023-02-06. Review status: criteria provided, single submitter. Criteria: Invitae Variant Classification Sherloc (09022015). Collection method: clinical testing. Allele origin: germline.
Comment: This variant has not been reported in the literature in individuals affected with MYO1E-related conditions. In summary, the available evidence is currently insufficient to determine the role of this variant in disease. Therefore, it has been classified as a Variant of Uncertain Significance. Variants that disrupt the consensus splice site are a relatively common cause of aberrant splicing (PMID: 17576681, 9536098). Algorithms developed to predict the effect of sequence changes on RNA splicing suggest that this variant is not likely to affect RNA splicing. ClinVar contains an entry for this variant (Variation ID: 1347059). This variant is present in population databases (rs374917616, gnomAD 0.01%). This sequence change falls in intron 21 of the MYO1E gene. It does not directly change the encoded amino acid sequence of the MYO1E protein. It affects a nucleotide within the consensus splice site.

Fulgent Genetics
Classification: Uncertain significance for Focal segmental glomerulosclerosis 6. Last evaluated: 2021-11-18. Review status: criteria provided, single submitter. Criteria: ACMG Guidelines, 2015. Collection method: clinical testing. Allele origin: unknown.

Literature cited by the submitters: PubMed 17576681 (cited by Labcorp Genetics (formerly Invitae), Labcorp); PubMed 9536098 (cited by Labcorp Genetics (formerly Invitae), Labcorp).

NM_004998.4(MYO1E):c.2334+5G>A

Gene: MYO1E (myosin IE; minus strand). Cytogenetic location: 15q22.2.
Variant type: single nucleotide variant.
Coding change: c.2334+5G>A on transcript NM_004998.4 (MANE Select); 5 bases into the intron after coding-DNA position 2334, G replaced by A.
Molecular consequence: intron variant.
Genome position (GRCh38, 1-based): chr15:59,173,741, C>T on the plus strand (G>A on the coding strand, the complement: MYO1E is on the minus strand). VCF-style: chr15-59173741-C-T. GRCh37 (hg19) VCF-style: chr15-59465940-C-T.
Identifiers: ClinVar variation 1347059 (VCV001347059.7), dbSNP rs374917616, ClinGen allele CA7589300.